The following is an entry in ClinVar:

ClinVar aggregate classification (germline): Uncertain significance (1 of 4 stars; one submission).

Submission:

GeneDx
Classification: Uncertain significance. Last evaluated: 2026-03-17. Review status: criteria provided, single submitter. Criteria: GeneDx Variant Classification Process June 2021. Collection method: clinical testing. Allele origin: germline.
Comment: Not observed at significant frequency in large population cohorts (gnomAD); In silico analysis supports that this missense variant has a deleterious effect on protein structure/function; Has not been previously published as pathogenic or benign to our knowledge

NM_002181.4(IHH):c.1058A>T (p.Asp353Val)

Gene: IHH (Indian hedgehog signaling molecule; minus strand). Cytogenetic location: 2q35.
Variant type: single nucleotide variant.
Coding change: c.1058A>T on transcript NM_002181.4 (MANE Select); coding-DNA position 1058, A replaced by T.
Protein change: p.Asp353Val; replaces aspartic acid 353 with valine.
Molecular consequence: missense variant.
Genome position (GRCh38, 1-based): chr2:219,055,385, T>A on the plus strand (A>T on the coding strand, the complement: IHH is on the minus strand). VCF-style: chr2-219055385-T-A. GRCh37 (hg19) VCF-style: chr2-219920107-T-A.
Other names: short protein forms D353V.
Identifiers: ClinVar variation 5009429 (VCV005009429.1).